The following is an entry in ClinVar:

ClinVar aggregate classification (germline): Uncertain significance. Review status: criteria provided, multiple submitters, no conflicts (2 of 4 stars). 2 submissions from 2 submitters: Uncertain significance (2). Last evaluated 2025-07-14.

Conditions:
Marfan syndrome (MFS). Also called: MARFAN SYNDROME, TYPE I; Marfan syndrome type 1; Marfan's syndrome; Marfan syndrome, classic; FBN1-Related Marfan Syndrome. Identifiers: Orphanet 284963, Orphanet 558, MedGen C0024796, MONDO:0007947, OMIM 154700.
Familial thoracic aortic aneurysm and aortic dissection (TAAD). Also called: Thoracic aortic aneurysms and dissections. Identifiers: Orphanet 91387, MedGen C4707243, MONDO:0019625.

gnomAD v4.1: 1 of 1,613,840 alleles (0.000062%); no homozygotes.

Submissions (2):

Color Diagnostics, LLC DBA Color Health
Classification: Uncertain significance for Familial thoracic aortic aneurysm and aortic dissection. Last evaluated: 2025-07-14. Review status: criteria provided, single submitter. Criteria: ACMG Guidelines, 2015. Collection method: clinical testing. Allele origin: germline.
Comment: This missense variant replaces valine with alanine at codon 1667 of the FBN1 protein. Computational prediction suggests that this variant may not impact protein structure and function. To our knowledge, functional studies have not been reported for this variant. This variant has not been reported in individuals affected with FBN1-related disorders in the literature. This variant has not been identified in the general population by the Genome Aggregation Database (gnomAD). The available evidence is insufficient to determine the role of this variant in disease conclusively. Therefore, this variant is classified as a Variant of Uncertain Significance.

Labcorp Genetics (formerly Invitae), Labcorp
Classification: Uncertain significance for Marfan syndrome; Familial thoracic aortic aneurysm and aortic dissection. Last evaluated: 2024-06-17. Review status: criteria provided, single submitter. Criteria: Invitae Variant Classification Sherloc (09022015). Collection method: clinical testing. Allele origin: germline.
Comment: This sequence change replaces valine, which is neutral and non-polar, with alanine, which is neutral and non-polar, at codon 1667 of the FBN1 protein (p.Val1667Ala). This variant is not present in population databases (gnomAD no frequency). This variant has not been reported in the literature in individuals affected with FBN1-related conditions. Advanced modeling of protein sequence and biophysical properties (such as structural, functional, and spatial information, amino acid conservation, physicochemical variation, residue mobility, and thermodynamic stability) has been performed at Invitae for this missense variant, however the output from this modeling did not meet the statistical confidence thresholds required to predict the impact of this variant on FBN1 protein function. In summary, the available evidence is currently insufficient to determine the role of this variant in disease. Therefore, it has been classified as a Variant of Uncertain Significance.

NM_000138.5(FBN1):c.5000T>C (p.Val1667Ala)

Gene: FBN1 (fibrillin 1; minus strand). Cytogenetic location: 15q21.1.
Variant type: single nucleotide variant.
Coding change: c.5000T>C on transcript NM_000138.5 (MANE Select); coding-DNA position 5000, T replaced by C.
Protein change: p.Val1667Ala; replaces valine 1667 with alanine.
Molecular consequence: missense variant.
Genome position (GRCh38, 1-based): chr15:48,463,964, A>G on the plus strand (T>C on the coding strand, the complement: FBN1 is on the minus strand). VCF-style: chr15-48463964-A-G. GRCh37 (hg19) VCF-style: chr15-48756161-A-G.
Other names: c.5000T>C, p.Val1667Ala (NM_001406716.1); short protein forms V1667A.
Identifiers: ClinVar variation 2924191 (VCV002924191.4), dbSNP rs2505493366, ClinGen allele CA392350088.
Genomic context (GRCh38, chr15:48,463,964, plus strand): 5'-CAATTATTTCCCCCATTCACTTGCATGTAGTCTGGAGGACAGATACAGGTGTAGTTGCCA[A>G]CGGTGTTGTAACATGTCCCTGGACCACAGATTCCAGGAGTCTCACATTCATTCACATCTA-3'
Protein context (NP_000129.3, residues 1657-1677): ICGPGTCYNT[Val1667Ala]GNYTCICPPD